The following is an entry in ClinVar:

ClinVar aggregate classification (germline): Pathogenic (1 of 4 stars; one submission).

Conditions:
Mowat-Wilson syndrome (MOWS). Also called: Classic Mowat-Wilson Syndrome. Identifiers: Orphanet 2152, MedGen C1856113, MONDO:0009341, OMIM 235730.

Submission:

Labcorp Genetics (formerly Invitae), Labcorp
Classification: Pathogenic for Mowat-Wilson syndrome. Last evaluated: 2023-07-14. Review status: criteria provided, single submitter. Criteria: Invitae Variant Classification Sherloc (09022015). Collection method: clinical testing. Allele origin: germline.
Comment: This variant disrupts a region of the ZEB2 protein in which other variant(s) (p.Gln1119Arg) have been determined to be pathogenic (PMID: 16688751). This suggests that this is a clinically significant region of the protein, and that variants that disrupt it are likely to be disease-causing. For these reasons, this variant has been classified as Pathogenic. This sequence change creates a premature translational stop signal (p.His1066Glnfs*56) in the ZEB2 gene. While this is not anticipated to result in nonsense mediated decay, it is expected to disrupt the last 149 amino acid(s) of the ZEB2 protein. This variant is not present in population databases (gnomAD no frequency). This variant has not been reported in the literature in individuals affected with ZEB2-related conditions. ClinVar contains an entry for this variant (Variation ID: 1496351).

Literature cited by the submitters: PubMed 16688751.

NM_014795.4(ZEB2):c.3198_3202del (p.His1066fs)

Gene: ZEB2 (zinc finger E-box binding homeobox 2; minus strand). Cytogenetic location: 2q22.3.
Variant type: Deletion.
Coding change: c.3198_3202del on transcript NM_014795.4 (MANE Select); coding-DNA positions 3198 to 3202, 5 bases deleted (CTCGG; older notation c.3198_3202delCTCGG).
Protein change: p.His1066fs; shifts the reading frame from histidine 1066.
Molecular consequence: frameshift variant.
Genome position (GRCh38, 1-based): chr2:144,389,894-144,389,898, CCGAG deleted on the plus strand (CTCGG on the coding strand, the reverse complement: ZEB2 is on the minus strand). VCF-style (leftmost placement, unchanged base first): chr2-144389893-CCCGAG-C. GRCh37 (hg19) VCF-style: chr2-145147460-CCCGAG-C.
Other names: c.3126_3130del, p.His1042fs (NM_001171653.2); short protein forms H1042fs, H1066fs.
Identifiers: ClinVar variation 1496351 (VCV001496351.8), dbSNP rs2149872642, ClinGen allele CA2573133427.